The following is an entry in ClinVar:

ClinVar aggregate classification (germline): Uncertain significance. Review status: criteria provided, single submitter (1 of 4 stars). 2 submissions from 2 submitters: Uncertain significance (1). 1 of the submissions does not count toward it. Last evaluated 2025-03-21.

Conditions:
Inborn genetic diseases. Identifiers: MedGen C0950123, MeSH D030342.

Allele frequency attached by ClinVar (database versions not stated): gnomAD exomes 0.00002 and 0.00012; ExAC 0.00003; ESP Exome Variant Server 0.00008; gnomAD 0.00009 and 0.00011.
gnomAD v4.1: 187 of 1,613,906 alleles (0.012%); highest among the groups gnomAD compares: Non-Finnish European, 0.015%; no homozygotes.

Submissions (2):

Ambry Genetics
Classification: Uncertain significance for Inborn genetic diseases. Last evaluated: 2025-03-21. Review status: criteria provided, single submitter. Criteria: Ambry Variant Classification Scheme 2023. Collection method: clinical testing. Allele origin: germline.

Department of Pathology and Laboratory Medicine, Sinai Health System
Classification: Uncertain significance. Review status: no assertion criteria provided. Collection method: clinical testing. Allele origin: unknown. Affected: yes. Study: The Canadian Open Genetics Repository (COGR). Not counted in ClinVar's aggregate classification.
Comment: The TRAK1 p.Ser393Cys variant was not identified in the literature nor was it identified in ClinVar or LOVD 3.0. The variant was identified in dbSNP (ID: rs372269973) and Cosmic (identified in two tumour samples: carcinoma of the large intestine and carcinoma of the lung). The variant was also identified in control databases in 7 of 282852 chromosomes at a frequency of 0.000025 (Genome Aggregation Database Feb 27, 2017). The variant was observed in the following populations: African in 3 of 24958 chromosomes (freq: 0.00012) and European (non-Finnish) in 4 of 129174 chromosomes (freq: 0.000031), but was not observed in the Latino, Ashkenazi Jewish, East Asian, European (Finnish), Other or South Asian populations. The p.Ser393 residue is conserved in mammals and computational analyses (PolyPhen-2, SIFT, AlignGVGD, BLOSUM, MutationTaster) provide inconsistent predictions regarding the impact to the protein; this information is not very predictive of pathogenicity. The variant occurs outside of the splicing consensus sequence and in silico or computational prediction software programs (SpliceSiteFinder, MaxEntScan, NNSPLICE, GeneSplicer) do not predict a difference in splicing. In summary, based on the above information the clinical significance of this variant cannot be determined with certainty at this time. This variant is classified as a variant of uncertain significance.

NM_001042646.3(TRAK1):c.1178C>G (p.Ser393Cys)

Gene: TRAK1 (trafficking kinesin protein 1; plus strand). Cytogenetic location: 3p22.1.
Variant type: single nucleotide variant.
Coding change: c.1178C>G on transcript NM_001042646.3 (MANE Select); coding-DNA position 1178, C replaced by G.
Protein change: p.Ser393Cys; replaces serine 393 with cysteine.
Molecular consequence: missense variant. On other transcripts: non-coding transcript variant (1).
Genome position (GRCh38, 1-based): chr3:42,199,241, C>G. VCF-style: chr3-42199241-C-G. GRCh37 (hg19) VCF-style: chr3-42240733-C-G.
Other names: c.1178C>G, p.Ser393Cys (NM_001265608.2, NM_001349246.2, NM_001349247.2); c.956C>G, p.Ser319Cys (NM_001265609.2, NM_001265610.1, NM_001349248.1 and 1 more transcripts); c.866C>G, p.Ser289Cys (NM_001349245.1); c.1004C>G, p.Ser335Cys (NM_014965.5); c.1178C>G (NM_001042646.1); short protein forms S289C, S319C, S335C, S393C.
Identifiers: ClinVar variation 1050695 (VCV001050695.2), dbSNP rs372269973, ClinGen allele CA2333398.